The following is an entry in ClinVar:

NM_012471.3(TRPC5):c.2580T>C (p.Ser860=)

Gene: TRPC5 (transient receptor potential cation channel subfamily C member 5; minus strand). Cytogenetic location: Xq23.
Variant type: single nucleotide variant.
Coding change: c.2580T>C on transcript NM_012471.3 (MANE Select); coding-DNA position 2580, T replaced by C.
Protein change: p.Ser860=; no amino-acid change (serine 860 retained).
Molecular consequence: synonymous variant.
Genome position (GRCh38, 1-based): chrX:111,776,655, A>G on the plus strand (T>C on the coding strand, the complement: TRPC5 is on the minus strand). VCF-style: chrX-111776655-A-G. GRCh37 (hg19) VCF-style: chrX-111019883-A-G.
Identifiers: ClinVar variation 2661214 (VCV002661214.25), dbSNP rs375406316, ClinGen allele CA10494137.

ClinVar aggregate classification (germline): Likely benign. Review status: criteria provided, single submitter (1 of 4 stars). 2 submissions from 2 submitters: Likely benign (1). 1 of the submissions does not count toward it. Last evaluated 2022-10-01.

Conditions:
TRPC5-related disorder. Also called: TRPC5-related condition.

Allele frequency attached by ClinVar (database versions not stated): ESP Exome Variant Server 0.00009; gnomAD 0.00009; TOPMed 0.00012; gnomAD exomes 0.00018; ExAC 0.00033.
gnomAD v4.1: 217 of 1,210,128 alleles (0.018%); highest among the groups gnomAD compares: Non-Finnish European, 0.022%; no homozygotes.

Submissions (2):

CeGaT Center for Human Genetics Tuebingen
Classification: Likely benign. Last evaluated: 2022-10-01. Review status: criteria provided, single submitter. Criteria: CeGaT Center For Human Genetics Tuebingen Variant Classification Criteria Version 2. Collection method: clinical testing. Allele origin: germline. Affected: yes. Observed: 1 variant allele.
Comment: TRPC5: BP4, BP7

PreventionGenetics, part of Exact Sciences
Classification: Likely benign for TRPC5-related condition. Last evaluated: 2022-03-07. Review status: no assertion criteria provided. Collection method: clinical testing. Allele origin: germline. Not counted in ClinVar's aggregate classification.
Comment: This variant is classified as likely benign based on ACMG/AMP sequence variant interpretation guidelines (Richards et al. 2015 PMID: 25741868, with internal and published modifications).